The following is an entry in ClinVar:

ClinVar aggregate classification (germline): Uncertain significance (1 of 4 stars; one submission).

Submission:

Greenwood Genetic Center Diagnostic Laboratories, Greenwood Genetic Center
Classification: Uncertain significance. Last evaluated: 2026-04-23. Review status: criteria provided, single submitter. Criteria: ACMG Guidelines, 2015. Collection method: clinical testing. Allele origin: germline.
Comment: PVS1, PM2, BS4

NM_004593.3(TRA2B):c.43del (p.Arg15fs)

Gene: TRA2B (transformer 2 beta homolog; minus strand). Cytogenetic location: 3q27.2.
Variant type: Deletion.
Coding change: c.43del on transcript NM_004593.3 (MANE Select); coding-DNA position 43, one base deleted (C; older notation c.43delC).
Protein change: p.Arg15fs; shifts the reading frame from arginine 15.
Molecular consequence: frameshift variant. On other transcripts: intron variant (1).
Genome position (GRCh38, 1-based): chr3:185,926,728, G deleted on the plus strand (C on the coding strand, the reverse complement: TRA2B is on the minus strand); the first of 3 consecutive G bases (chr3:185,926,728-185,926,730); deleting any one gives the same sequence. VCF-style (leftmost placement, unchanged base first): chr3-185926727-CG-C. GRCh37 (hg19) VCF-style: chr3-185644515-CG-C.
Other names: c.-130-1102del (NM_001243879.2); short protein forms R15fs.
Identifiers: ClinVar variation 4891025 (VCV004891025.1).